The following is an entry in ClinVar:

NM_020693.4(DSCAML1):c.-129G>T

Gene: DSCAML1 (DS cell adhesion molecule like 1; minus strand). Cytogenetic location: 11q23.3.
Variant type: single nucleotide variant.
Coding change: c.-129G>T on transcript NM_020693.4 (MANE Select); 129 bases upstream of the start codon, G replaced by T.
Molecular consequence: 5 prime UTR variant. On other transcripts: intron variant (1).
Genome position (GRCh38, 1-based): chr11:117,797,208, C>A on the plus strand (G>T on the coding strand, the complement: DSCAML1 is on the minus strand). VCF-style: chr11-117797208-C-A. GRCh37 (hg19) VCF-style: chr11-117667923-C-A.
Other names: c.52G>T (NM_020693.3); c.-129G>T (NM_001367904.1); c.-362-16398G>T (NM_001367905.1).
Identifiers: ClinVar variation 1565837 (VCV001565837.10), dbSNP rs200261504, ClinGen allele CA6297715.

ClinVar aggregate classification (germline): Benign. Review status: criteria provided, single submitter (1 of 4 stars). 2 submissions from 2 submitters: Benign (1). 1 of the submissions does not count toward it. Last evaluated 2026-01-26.

Conditions:
DSCAML1-related disorder. Also called: DSCAML1-related condition.

Allele frequency attached by ClinVar (database versions not stated): 1000 Genomes Project 30x 0.00016; 1000 Genomes Project 0.00040; ESP Exome Variant Server 0.00052; TOPMed 0.00083; gnomAD exomes 0.00202 and 0.00423; gnomAD 0.00324 and 0.00345; ExAC 0.00355.
gnomAD v4.1: 3,182 of 1,504,320 alleles (0.21%); highest among the groups gnomAD compares: Non-Finnish European, 0.15%; 26 homozygotes.

Submissions (2):

Labcorp Genetics (formerly Invitae), Labcorp
Classification: Benign. Last evaluated: 2026-01-26. Review status: criteria provided, single submitter. Criteria: Invitae Variant Classification Sherloc (09022015). Collection method: clinical testing. Allele origin: germline.

PreventionGenetics, part of Exact Sciences
Classification: Benign for DSCAML1-related condition. Last evaluated: 2019-05-03. Review status: no assertion criteria provided. Collection method: clinical testing. Allele origin: germline. Not counted in ClinVar's aggregate classification.
Comment: This variant is classified as benign based on ACMG/AMP sequence variant interpretation guidelines (Richards et al. 2015 PMID: 25741868, with internal and published modifications).